The following is an entry in ClinVar:

NM_000179.3(MSH6):c.2155A>G (p.Thr719Ala)

Gene: MSH6 (mutS homolog 6; plus strand). Cytogenetic location: 2p16.3.
Variant type: single nucleotide variant.
Coding change: c.2155A>G on transcript NM_000179.3 (MANE Select); coding-DNA position 2155, A replaced by G.
Protein change: p.Thr719Ala; replaces threonine 719 with alanine.
Molecular consequence: missense variant. On other transcripts: non-coding transcript variant (5), intron variant (2).
Genome position (GRCh38, 1-based): chr2:47,800,138, A>G. VCF-style: chr2-47800138-A-G. GRCh37 (hg19) VCF-style: chr2-48027277-A-G.
Other names: c.1765A>G, p.Thr589Ala (NM_001281492.2); c.1249A>G, p.Thr417Ala (NM_001281493.2, NM_001281494.2, NM_001406811.1 and 6 more transcripts); c.2251A>G, p.Thr751Ala (NM_001406795.1, NM_001406802.1); c.2155A>G, p.Thr719Ala (NM_001406796.1, NM_001406798.1, NM_001406800.1 and 3 more transcripts); c.1858A>G, p.Thr620Ala (NM_001406797.1, NM_001406801.1, NM_001406805.1 and 10 more transcripts); c.1630A>G, p.Thr544Ala (NM_001406799.1, NM_001406806.1, NM_001406807.1); c.2077A>G, p.Thr693Ala (NM_001406804.1); c.2161A>G, p.Thr721Ala (NM_001406813.1); and 3 more; short protein forms T417A, T719A, T751A, T620A, T544A, T589A, T663A, T693A.
Identifiers: ClinVar variation 2453184 (VCV002453184.5), dbSNP rs1312413528, ClinGen allele CA346751129.

ClinVar aggregate classification (germline): Conflicting classifications of pathogenicity. Review status: criteria provided, conflicting classifications (1 of 4 stars). 2 submissions from 2 submitters: Uncertain significance (1); Likely benign (1). Last evaluated 2025-06-11.

Conditions:
Hereditary cancer-predisposing syndrome. Also called: Neoplastic Syndromes, Hereditary; Tumor predisposition; Hereditary neoplastic syndrome; Hereditary Cancer Syndrome. Identifiers: Orphanet 140162, MedGen C0027672, MeSH D009386, MONDO:0015356.

Submissions (2):

Color Diagnostics, LLC DBA Color Health
Classification: Uncertain significance for Hereditary cancer-predisposing syndrome. Last evaluated: 2025-06-11. Review status: criteria provided, single submitter. Criteria: ACMG Guidelines, 2015. Collection method: clinical testing. Allele origin: germline.
Comment: This missense variant replaces threonine with alanine at codon 719 of the MSH6 protein. Computational prediction suggests that this variant may not impact protein structure and function. To our knowledge, functional studies have not been reported for this variant. This variant has not been reported in individuals affected with MSH6-related disorders in the literature. This variant has not been identified in the general population by the Genome Aggregation Database (gnomAD). The available evidence is insufficient to determine the role of this variant in disease conclusively. Therefore, this variant is classified as a Variant of Uncertain Significance.

Ambry Genetics
Classification: Likely benign for Hereditary cancer-predisposing syndrome. Last evaluated: 2023-01-12. Review status: criteria provided, single submitter. Criteria: Ambry Variant Classification Scheme 2023. Collection method: clinical testing. Allele origin: germline.